The following is an entry in ClinVar:

NM_000038.6(APC):c.835-4425A>C

Gene: APC (APC regulator of WNT signaling pathway; plus strand). Cytogenetic location: 5q22.2.
Variant type: single nucleotide variant.
Coding change: c.835-4425A>C on transcript NM_000038.6 (MANE Select); 4425 bases into the intron before coding-DNA position 835, A replaced by C.
Molecular consequence: intron variant.
Genome position (GRCh38, 1-based): chr5:112,811,070, A>C. VCF-style: chr5-112811070-A-C. GRCh37 (hg19) VCF-style: chr5-112146767-A-C.
Other names: c.835-4425A>C (NM_001354895.2, NM_001127510.3, NM_001354896.2 and 1 more transcripts); c.865-4425A>C (NM_001354897.2, NM_001354902.2); c.781-4425A>C (NM_001127511.3); c.760-4425A>C (NM_001354898.2, NM_001354904.2); c.-16+759A>C (NM_001354906.2); c.751-4425A>C (NM_001354899.2); c.658-4425A>C (NM_001354900.2, NM_001354901.2, NM_001354905.2).
Identifiers: ClinVar variation 82543 (VCV000082543.2), dbSNP rs76601225, ClinGen allele CA015218.

ClinVar aggregate classification (germline): other (0 of 4 stars; one submission).

Conditions:
Familial colorectal cancer. Identifiers: MedGen CN280943, MONDO:0023113. Disease mechanism: loss of function.

Submission:

Systems Biology Platform Zhejiang California International NanoSystems Institute
Classification: other for Familial colorectal cancer. Review status: no assertion criteria provided. Collection method: not provided. Allele origin: unknown.
ClinVar note: Converted during submission from cancer to other.